The following is an entry in ClinVar:

ClinVar aggregate classification (germline): Conflicting classifications of pathogenicity. Review status: criteria provided, conflicting classifications (1 of 4 stars). 2 submissions from 2 submitters: Likely pathogenic (1); Uncertain significance (1). Last evaluated 2024-10-03.

Conditions:
CYP11B2-related disorders.

gnomAD v4.1: 40 of 1,613,966 alleles (0.0025%); highest among the groups gnomAD compares: Non-Finnish European, 0.0032%; no homozygotes.

Submissions (2):

Blueprint Genetics
Classification: Likely pathogenic for CYP11B2-related disorders. Last evaluated: 2024-10-03. Review status: criteria provided, single submitter. Criteria: ACMG Guidelines, 2015. Collection method: clinical testing. Allele origin: germline. Affected: yes. Observed: 1 variant allele.

Labcorp Genetics (formerly Invitae), Labcorp
Classification: Uncertain significance. Last evaluated: 2021-10-03. Review status: criteria provided, single submitter. Criteria: Invitae Variant Classification Sherloc (09022015). Collection method: clinical testing. Allele origin: germline.
Comment: This sequence change replaces alanine with threonine at codon 165 of the CYP11B2 protein (p.Ala165Thr). The alanine residue is highly conserved and there is a small physicochemical difference between alanine and threonine. This variant is not present in population databases (ExAC no frequency). This variant has not been reported in the literature in individuals with CYP11B2-related conditions. Algorithms developed to predict the effect of missense changes on protein structure and function are either unavailable or do not agree on the potential impact of this missense change (SIFT: "Deleterious"; PolyPhen-2: "Probably Damaging"; Align-GVGD: "Class C0"). In summary, the available evidence is currently insufficient to determine the role of this variant in disease. Therefore, it has been classified as a Variant of Uncertain Significance.

NM_000498.3(CYP11B2):c.493G>A (p.Ala165Thr)

Genes: CYP11B2 (cytochrome P450 family 11 subfamily B member 2; minus strand), LOC106799834 (CYP11B2 recombination region; plus strand). Cytogenetic location: 8q24.3.
Variant type: single nucleotide variant.
Coding change: c.493G>A on transcript NM_000498.3 (MANE Select); coding-DNA position 493, G replaced by A.
Protein change: p.Ala165Thr; replaces alanine 165 with threonine.
Molecular consequence: missense variant.
Genome position (GRCh38, 1-based): chr8:142,915,148, C>T on the plus strand (G>A on the coding strand, the complement: CYP11B2 is on the minus strand). VCF-style: chr8-142915148-C-T. GRCh37 (hg19) VCF-style: chr8-143996564-C-T.
Other names: short protein forms A165T.
Identifiers: ClinVar variation 2174646 (VCV002174646.2), dbSNP rs529683430, ClinGen allele CA372390780.